The following is an entry in ClinVar:

NM_014043.4(CHMP2B):c.589A>G (p.Thr197Ala)

Gene: CHMP2B (charged multivesicular body protein 2B; plus strand). Cytogenetic location: 3p11.2.
Variant type: single nucleotide variant.
Coding change: c.589A>G on transcript NM_014043.4 (MANE Select); coding-DNA position 589, A replaced by G.
Protein change: p.Thr197Ala; replaces threonine 197 with alanine.
Molecular consequence: missense variant.
Genome position (GRCh38, 1-based): chr3:87,253,769, A>G. VCF-style: chr3-87253769-A-G. GRCh37 (hg19) VCF-style: chr3-87302919-A-G.
Other names: c.466A>G, p.Thr156Ala (NM_001244644.2); c.685A>G, p.Thr229Ala (NM_001410777.1); short protein forms T156A, T197A, T229A.
Identifiers: ClinVar variation 2944135 (VCV002944135.3), dbSNP rs761691146, ClinGen allele CA2501042.

ClinVar aggregate classification (germline): Uncertain significance (1 of 4 stars; one submission).

Conditions:
Frontotemporal dementia and/or amyotrophic lateral sclerosis 7 (FTDALS7). Also called: CHMP2B-related frontotemporal dementia; AMYOTROPHIC LATERAL SCLEROSIS, CHMP2B-RELATED; Amyotrophic lateral sclerosis 17; CHMP2B-Related Frontotemporal Dementia-Amyotrophic Lateral Sclerosis. Identifiers: Orphanet 275864, Orphanet 282, Orphanet 803, MedGen C1833296, MONDO:0010936, OMIM 600795.

Allele frequency attached by ClinVar (database versions not stated): gnomAD 0.00001; gnomAD exomes 0.00001; ExAC 0.00004.
gnomAD v4.1: 18 of 1,612,442 alleles (0.0011%); highest among the groups gnomAD compares: East Asian, 0.02%; no homozygotes.

Submission:

Labcorp Genetics (formerly Invitae), Labcorp
Classification: Uncertain significance for Frontotemporal dementia and/or amyotrophic lateral sclerosis 7. Last evaluated: 2023-09-19. Review status: criteria provided, single submitter. Criteria: Invitae Variant Classification Sherloc (09022015). Collection method: clinical testing. Allele origin: germline.
Comment: This sequence change replaces threonine, which is neutral and polar, with alanine, which is neutral and non-polar, at codon 197 of the CHMP2B protein (p.Thr197Ala). This variant is present in population databases (rs761691146, gnomAD 0.06%). This variant has not been reported in the literature in individuals affected with CHMP2B-related conditions. An algorithm developed to predict the effect of missense changes on protein structure and function (PolyPhen-2) suggests that this variant is likely to be tolerated. In summary, the available evidence is currently insufficient to determine the role of this variant in disease. Therefore, it has been classified as a Variant of Uncertain Significance.